The following is an entry in ClinVar:

ClinVar aggregate classification (germline): Uncertain significance (1 of 4 stars; one submission).

Conditions:
DYRK1A-related intellectual disability syndrome (MRD7). Also called: Intellectual developmental disorder, autosomal dominant 7; DYRK1A Syndrome. Identifiers: Orphanet 464306, MedGen C5568143, MONDO:0013578, OMIM 614104.

gnomAD v4.1: 1 of 1,613,112 alleles (0.000062%); highest among the groups gnomAD compares: African/African-American, 0.0013%; no homozygotes.

Submission:

Labcorp Genetics (formerly Invitae), Labcorp
Classification: Uncertain significance for DYRK1A-related intellectual disability syndrome. Last evaluated: 2025-10-01. Review status: criteria provided, single submitter. Criteria: Invitae Variant Classification Sherloc (09022015). Collection method: clinical testing. Allele origin: germline.
Comment: This sequence change replaces valine, which is neutral and non-polar, with phenylalanine, which is neutral and non-polar, at codon 135 of the DYRK1A protein (p.Val135Phe). This variant is not present in population databases (gnomAD no frequency). This variant has not been reported in the literature in individuals affected with DYRK1A-related conditions. Invitae Evidence Modeling of protein sequence and biophysical properties (such as structural, functional, and spatial information, amino acid conservation, physicochemical variation, residue mobility, and thermodynamic stability) indicates that this missense variant is not expected to disrupt DYRK1A protein function with a negative predictive value of 95%. In summary, the available evidence is currently insufficient to determine the role of this variant in disease. Therefore, it has been classified as a Variant of Uncertain Significance.

NM_001347721.2(DYRK1A):c.376G>T (p.Val126Phe)

Gene: DYRK1A (dual specificity tyrosine phosphorylation regulated kinase 1A; plus strand). Cytogenetic location: 21q22.13.
Variant type: single nucleotide variant.
Coding change: c.376G>T on transcript NM_001347721.2 (MANE Select); coding-DNA position 376, G replaced by T.
Protein change: p.Val126Phe; replaces valine 126 with phenylalanine.
Molecular consequence: missense variant.
Genome position (GRCh38, 1-based): chr21:37,480,713, G>T. VCF-style: chr21-37480713-G-T. GRCh37 (hg19) VCF-style: chr21-38853015-G-T.
Other names: c.376G>T, p.Val126Phe (NM_001347722.2, NM_130436.2); c.289G>T, p.Val97Phe (NM_001347723.2); c.403G>T, p.Val135Phe (NM_001396.5, NM_101395.2, NM_130438.2); short protein forms V126F, V135F, V97F.
Identifiers: ClinVar variation 4803215 (VCV004803215.1).
Genomic context (GRCh38, chr21:37,480,713, plus strand): 5'-AAGAAGCGAAGACACCAACAGGGCCAGGGAGACGATTCTAGTCATAAGAAGGAACGGAAG[G>T]TTTACAATGATGGTTATGATGATGATAACTATGATTATATTGTAAAAAACGGAGAAAAGT-3'
Protein context (NP_001334650.1, residues 116-136): DDSSHKKERK[Val126Phe]YNDGYDDDNY